The following is an entry in ClinVar:

ClinVar aggregate classification (germline): Uncertain significance (1 of 4 stars; one submission).

Conditions:
Hereditary breast ovarian cancer syndrome. Also called: Hereditary breast and/or ovarian cancer syndrome; Hereditary breast and ovarian cancer syndrome; Hereditary breast and ovarian cancer syndrome (HBOC); Breast and ovarian cancer; Hereditary breast and ovarian cancer; BRCA1- and BRCA2-Associated Hereditary Breast and Ovarian Cancer. Identifiers: Orphanet 145, MedGen C0677776, MeSH D061325, MONDO:0003582. Disease mechanism: loss of function.

Submission:

Labcorp Genetics (formerly Invitae), Labcorp
Classification: Uncertain significance for Hereditary breast ovarian cancer syndrome. Last evaluated: 2020-03-31. Review status: criteria provided, single submitter. Criteria: Invitae Variant Classification Sherloc (09022015). Collection method: clinical testing. Allele origin: germline.
Comment: In summary, the available evidence is currently insufficient to determine the role of this variant in disease. Therefore, it has been classified as a Variant of Uncertain Significance. Algorithms developed to predict the effect of missense changes on protein structure and function are either unavailable or do not agree on the potential impact of this missense change (SIFT: "Deleterious"; PolyPhen-2: "Probably Damaging"; Align-GVGD: "Class C15"). This variant has not been reported in the literature in individuals with BRCA2-related conditions. This variant is not present in population databases (ExAC no frequency). This sequence change replaces arginine with proline at codon 3128 of the BRCA2 protein (p.Arg3128Pro). The arginine residue is highly conserved and there is a moderate physicochemical difference between arginine and proline.

NM_000059.4(BRCA2):c.9383G>C (p.Arg3128Pro)

Gene: BRCA2 (BRCA2 DNA repair associated; plus strand). Cytogenetic location: 13q13.1.
Variant type: single nucleotide variant.
Coding change: c.9383G>C on transcript NM_000059.4 (MANE Select); coding-DNA position 9383, G replaced by C.
Protein change: p.Arg3128Pro; replaces arginine 3128 with proline.
Molecular consequence: missense variant.
Genome position (GRCh38, 1-based): chr13:32,394,815, G>C. VCF-style: chr13-32394815-G-C. GRCh37 (hg19) VCF-style: chr13-32968952-G-C.
Other names: short protein forms R3128P.
Identifiers: ClinVar variation 1044689 (VCV001044689.9), dbSNP rs397507427, ClinGen allele CA387761277.